The following is an entry in ClinVar:

NM_024915.4(GRHL2):c.617_629del (p.Asp206fs)

Gene: GRHL2 (grainyhead like transcription factor 2; plus strand). Cytogenetic location: 8q22.3.
Variant type: Deletion.
Coding change: c.617_629del on transcript NM_024915.4 (MANE Select); coding-DNA positions 617 to 629, 13 bases deleted (ACGACCAGCGCAG).
Protein change: p.Asp206fs; shifts the reading frame from aspartic acid 206.
Molecular consequence: frameshift variant.
Genome position (GRCh38, 1-based): chr8:101,558,751-101,558,763, ACGACCAGCGCAG deleted; deleting any 13 consecutive bases within chr8:101,558,749-101,558,763 gives the same sequence; the c. name uses the placement nearest the transcript's 3' end. VCF-style (leftmost placement, unchanged base first): chr8-101558748-AAGACGACCAGCGC-A. GRCh37 (hg19) VCF-style: chr8-102570976-AAGACGACCAGCGC-A.
Other names: c.569_581del, p.Asp190fs (NM_001330593.2, NM_001440448.1); c.617_629del, p.Asp206fs (NM_001440447.1); short protein forms D190fs, D206fs.
Identifiers: ClinVar variation 4857401 (VCV004857401.1).

ClinVar aggregate classification (germline): Pathogenic (1 of 4 stars; one submission).

Conditions:
Autosomal dominant nonsyndromic hearing loss 28. Identifiers: Orphanet 90635, MedGen C1837640, MONDO:0012083, OMIM 608641.

Submission:

Precision Medicine Center, Zhengzhou University
Classification: Pathogenic for Autosomal dominant nonsyndromic hearing loss 28. Last evaluated: 2006-06-30. Review status: criteria provided, single submitter. Criteria: ClinGen HL ACMG Specifications v1. Collection method: clinical testing. Allele origin: paternal. Affected: yes.
Comment: PVS1+PM2:The GRHL2 c.617_629del variant is a deletion predicted to result in loss of normal protein function (PVS1). The variant is absent or extremely rare in population databases (PM2). Haploinsufficiency is an established disease mechanism for GRHL2-related hearing loss. According to the ACMG/AMP guidelines, this variant is classified as Pathogenic.